The following is an entry in ClinVar:

NM_000312.4(PROC):c.581G>A (p.Arg194His)

Gene: PROC (protein C, inactivator of coagulation factors Va and VIIIa; plus strand). Cytogenetic location: 2q14.3.
Variant type: single nucleotide variant.
Coding change: c.581G>A on transcript NM_000312.4 (MANE Select); coding-DNA position 581, G replaced by A.
Protein change: p.Arg194His; replaces arginine 194 with histidine.
Molecular consequence: missense variant.
Genome position (GRCh38, 1-based): chr2:127,426,130, G>A. VCF-style: chr2-127426130-G-A. GRCh37 (hg19) VCF-style: chr2-128183706-G-A.
Other names: c.764G>A, p.Arg255His (NM_001375602.1); c.746G>A, p.Arg249His (NM_001375603.1); c.644G>A, p.Arg215His (NM_001375604.1); c.683G>A, p.Arg228His (NM_001375605.1); c.749G>A, p.Arg250His (NM_001375606.1); c.767G>A, p.Arg256His (NM_001375607.1); c.524G>A, p.Arg175His (NM_001375608.1); c.557G>A, p.Arg186His (NM_001375609.1); and 2 more; short protein forms R186H, R192H, R228H, R250H, R175H, R249H, R255H, R194H.
Identifiers: ClinVar variation 4992525 (VCV004992525.1).

ClinVar aggregate classification (germline): Uncertain significance (1 of 4 stars; one submission).

Conditions:
PROC-related disorder. Also called: PROC-related condition.

gnomAD v4.1: 20 of 1,613,974 alleles (0.0012%); highest among the groups gnomAD compares: Admixed American, 0.018%; no homozygotes.

Submission:

PreventionGenetics, part of Exact Sciences
Classification: Uncertain significance for PROC-related condition. Last evaluated: 2026-01-20. Review status: criteria provided, single submitter. Criteria: ACMG Guidelines, 2015. Collection method: clinical testing. Allele origin: germline.
Comment: The PROC c.581G>A variant is predicted to result in the amino acid substitution p.Arg194His. This variant was reported in an individual with deep vein thrombosis (Miyata et al. 2009. PubMed ID: 18954896). This variant is reported in 0.026% of alleles in individuals of Latino descent in gnomAD. At this time, the clinical significance of this variant is uncertain due to the absence of conclusive functional and genetic evidence.